The following is an entry in ClinVar:

ClinVar aggregate classification (germline): Uncertain significance (1 of 4 stars; one submission).

Conditions:
Inborn genetic diseases. Identifiers: MedGen C0950123, MeSH D030342.

Submission:

Ambry Genetics
Classification: Uncertain significance for Inborn genetic diseases. Last evaluated: 2023-09-23. Review status: criteria provided, single submitter. Criteria: Ambry Variant Classification Scheme 2023. Collection method: clinical testing. Allele origin: germline.
Comment: The p.L1131Q variant (also known as c.3392T>A), located in coding exon 25 of the LRRK2 gene, results from a T to A substitution at nucleotide position 3392. The leucine at codon 1131 is replaced by glutamine, an amino acid with dissimilar properties. This amino acid position is conserved. In addition, this alteration is predicted to be deleterious by in silico analysis. Since supporting evidence is limited at this time, the clinical significance of this alteration remains unclear.

NM_198578.4(LRRK2):c.3392T>A (p.Leu1131Gln)

Gene: LRRK2 (leucine rich repeat kinase 2; plus strand). Cytogenetic location: 12q12.
Variant type: single nucleotide variant.
Coding change: c.3392T>A on transcript NM_198578.4 (MANE Select); coding-DNA position 3392, T replaced by A.
Protein change: p.Leu1131Gln; replaces leucine 1131 with glutamine.
Molecular consequence: missense variant.
Genome position (GRCh38, 1-based): chr12:40,299,153, T>A. VCF-style: chr12-40299153-T-A. GRCh37 (hg19) VCF-style: chr12-40692955-T-A.
Other names: short protein forms L1131Q.
Identifiers: ClinVar variation 3229609 (VCV003229609.1), dbSNP rs2499756563, ClinGen allele CA384415603.